The following is an entry in ClinVar:

ClinVar aggregate classification (germline): Uncertain significance. Review status: criteria provided, multiple submitters, no conflicts (2 of 4 stars). 6 submissions from 6 submitters: Uncertain significance (6). Last evaluated 2025-08-29.

Conditions:
INF2-related disorder. Also called: INF2-related condition.
Focal segmental glomerulosclerosis 5 (FSGS5). Identifiers: Orphanet 656, MedGen C2750475, MONDO:0013191, OMIM 613237.
Charcot-Marie-Tooth disease dominant intermediate E. Also called: CHARCOT-MARIE-TOOTH NEUROPATHY WITH FOCAL SEGMENTAL GLOMERULONEPHRITIS. Identifiers: Orphanet 93114, MedGen C4302667, MONDO:0013758, OMIM 614455.

Allele frequency attached by ClinVar (database versions not stated): ExAC 0.00001; TOPMed 0.00002.
gnomAD v4.1: 13 of 1,612,716 alleles (0.00081%); highest among the groups gnomAD compares: Middle Eastern, 0.033%; no homozygotes.

Submissions (6):

Labcorp Genetics (formerly Invitae), Labcorp
Classification: Uncertain significance for Charcot-Marie-Tooth disease dominant intermediate E; Focal segmental glomerulosclerosis 5. Last evaluated: 2025-08-29. Review status: criteria provided, single submitter. Criteria: Invitae Variant Classification Sherloc (09022015). Collection method: clinical testing. Allele origin: germline.
Comment: This sequence change replaces glutamine, which is neutral and polar, with histidine, which is basic and polar, at codon 903 of the INF2 protein (p.Gln903His). This variant is not present in population databases (gnomAD no frequency). This missense change has been observed in individual(s) with Charcot-Marie-Tooth disease (PMID: 30373780). ClinVar contains an entry for this variant (Variation ID: 882696). Invitae Evidence Modeling of protein sequence and biophysical properties (such as structural, functional, and spatial information, amino acid conservation, physicochemical variation, residue mobility, and thermodynamic stability) indicates that this missense variant is not expected to disrupt INF2 protein function with a negative predictive value of 95%. In summary, the available evidence is currently insufficient to determine the role of this variant in disease. Therefore, it has been classified as a Variant of Uncertain Significance.

CeGaT Center for Human Genetics Tuebingen
Classification: Uncertain significance. Last evaluated: 2025-05-01. Review status: criteria provided, single submitter. Criteria: CeGaT Center For Human Genetics Tuebingen Variant Classification Criteria Version 2. Collection method: clinical testing. Allele origin: germline. Affected: yes. Observed: 1 variant allele.
Comment: INF2: PM2, BP4

GeneDx
Classification: Uncertain significance. Last evaluated: 2025-02-19. Review status: criteria provided, single submitter. Criteria: GeneDx Variant Classification Process June 2021. Collection method: clinical testing. Allele origin: germline. Affected: yes.
Comment: Reported previously as a heterozygous variant of uncertain significance in a patient with foot deformities, muscular weakness and wasting of distal muscles, and sensory loss (PMID: 30373780); Not observed at significant frequency in large population cohorts (gnomAD); In silico analysis supports that this missense variant has a deleterious effect on protein structure/function; This variant is associated with the following publications: (PMID: 30373780)

Fulgent Genetics
Classification: Uncertain significance for Focal segmental glomerulosclerosis 5; Charcot-Marie-Tooth disease dominant intermediate E. Last evaluated: 2024-05-16. Review status: criteria provided, single submitter. Criteria: ACMG Guidelines, 2015. Collection method: clinical testing. Allele origin: germline.

PreventionGenetics, part of Exact Sciences
Classification: Uncertain significance for INF2-related condition. Last evaluated: 2022-08-26. Review status: criteria provided, single submitter. Criteria: ACMG Guidelines, 2015. Collection method: clinical testing. Allele origin: germline.
Comment: The INF2 c.2709G>C variant is predicted to result in the amino acid substitution p.Gln903His. This variant was reported as a variant of uncertain significance in an individual with Charcot-Marie-Tooth disease, type 2 (Bacquet et al 2018. PubMed ID: 30373780). This variant has not been reported in a large population database, indicating this variant is rare. At this time, the clinical significance of this variant is uncertain due to the absence of conclusive functional and genetic evidence.

Illumina Laboratory Services, Illumina
Classification: Uncertain significance for Focal segmental glomerulosclerosis 5. Last evaluated: 2018-01-13. Review status: criteria provided, single submitter. Criteria: ICSL Variant Classification Criteria 13 December 2019. Collection method: clinical testing. Allele origin: germline.

Literature cited by the submitters: PubMed 30373780 (cited by Labcorp Genetics (formerly Invitae), Labcorp).

NM_022489.4(INF2):c.2709G>C (p.Gln903His)

Gene: INF2 (inverted formin 2; plus strand). Cytogenetic location: 14q32.33.
Variant type: single nucleotide variant.
Coding change: c.2709G>C on transcript NM_022489.4 (MANE Select); coding-DNA position 2709, G replaced by C.
Protein change: p.Gln903His; replaces glutamine 903 with histidine.
Molecular consequence: missense variant.
Genome position (GRCh38, 1-based): chr14:104,712,926, G>C. VCF-style: chr14-104712926-G-C. GRCh37 (hg19) VCF-style: chr14-105179263-G-C.
Other names: c.2709G>C, p.Gln903His (NM_001031714.4); short protein forms Q903H.
Identifiers: ClinVar variation 882696 (VCV000882696.21), dbSNP rs762803590, ClinGen allele CA7373043.